The following is an entry in ClinVar:

ClinVar aggregate classification (germline): Uncertain significance (1 of 4 stars; one submission).

Conditions:
Hereditary cancer-predisposing syndrome. Also called: Neoplastic Syndromes, Hereditary; Tumor predisposition; Hereditary neoplastic syndrome; Hereditary Cancer Syndrome. Identifiers: Orphanet 140162, MedGen C0027672, MeSH D009386, MONDO:0015356.

Submission:

Ambry Genetics
Classification: Uncertain significance for Hereditary cancer-predisposing syndrome. Last evaluated: 2026-07-07. Review status: criteria provided, single submitter. Criteria: Ambry Variant Classification Scheme 2023. Collection method: clinical testing. Allele origin: germline.
Comment: The p.W275L variant (also known as c.824G>T), located in coding exon 7 of the SUFU gene, results from a G to T substitution at nucleotide position 824. The tryptophan at codon 275 is replaced by leucine, an amino acid with similar properties. This amino acid position is conserved. In addition, this alteration is predicted to be deleterious by in silico analysis. Based on the available evidence, the clinical significance of this variant remains unclear.

NM_016169.4(SUFU):c.824G>T (p.Trp275Leu)

Gene: SUFU (SUFU negative regulator of hedgehog signaling; plus strand). Cytogenetic location: 10q24.32.
Variant type: single nucleotide variant.
Coding change: c.824G>T on transcript NM_016169.4 (MANE Select); coding-DNA position 824, G replaced by T.
Protein change: p.Trp275Leu; replaces tryptophan 275 with leucine.
Molecular consequence: missense variant.
Genome position (GRCh38, 1-based): chr10:102,597,207, G>T. VCF-style: chr10-102597207-G-T. GRCh37 (hg19) VCF-style: chr10-104356964-G-T.
Other names: c.824G>T, p.Trp275Leu (NM_001178133.2); short protein forms W275L.
Identifiers: ClinVar variation 5030399 (VCV005030399.1).